The following is an entry in ClinVar:

NM_000535.7(PMS2):c.398C>A (p.Thr133Asn)

Gene: PMS2 (PMS1 homolog 2, mismatch repair system component; minus strand). Cytogenetic location: 7p22.1.
Variant type: single nucleotide variant.
Coding change: c.398C>A on transcript NM_000535.7 (MANE Select); coding-DNA position 398, C replaced by A.
Protein change: p.Thr133Asn; replaces threonine 133 with asparagine.
Molecular consequence: missense variant. On other transcripts: 5 prime UTR variant (8), non-coding transcript variant (1).
Genome position (GRCh38, 1-based): chr7:6,002,592, G>T on the plus strand (C>A on the coding strand, the complement: PMS2 is on the minus strand). VCF-style: chr7-6002592-G-T. GRCh37 (hg19) VCF-style: chr7-6042223-G-T.
Other names: c.-8C>A (NM_001322003.2, NM_001322004.2, NM_001322005.2 and 3 more transcripts); c.398C>A, p.Thr133Asn (NM_001322006.2, NM_001322014.2); c.80C>A, p.Thr27Asn (NM_001322007.2, NM_001322008.2); c.-487C>A (NM_001322011.2, NM_001322012.2); c.89C>A, p.Thr30Asn (NM_001322015.2); short protein forms T133N, T30N, T27N.
Identifiers: ClinVar variation 419771 (VCV000419771.14), dbSNP rs1064794097, ClinGen allele CA16618534.

ClinVar aggregate classification (germline): Uncertain significance. Review status: criteria provided, multiple submitters, no conflicts (2 of 4 stars). 3 submissions from 3 submitters: Uncertain significance (3). Last evaluated 2024-12-25.

Conditions:
Hereditary cancer-predisposing syndrome. Also called: Hereditary neoplastic syndrome; Tumor predisposition; Neoplastic Syndromes, Hereditary; Hereditary Cancer Syndrome. Identifiers: Orphanet 140162, MedGen C0027672, MeSH D009386, MONDO:0015356.
Hereditary nonpolyposis colorectal neoplasms. Identifiers: MedGen C0009405, MeSH D003123.

Allele frequency attached by ClinVar (database versions not stated): TOPMed 0.00001.

Submissions (3):

Ambry Genetics
Classification: Uncertain significance for Hereditary cancer-predisposing syndrome. Last evaluated: 2024-12-25. Review status: criteria provided, single submitter. Criteria: Ambry Variant Classification Scheme 2023. Collection method: clinical testing. Allele origin: germline.
Comment: The p.T133N variant (also known as c.398C>A), located in coding exon 5 of the PMS2 gene, results from a C to A substitution at nucleotide position 398. The threonine at codon 133 is replaced by asparagine, an amino acid with similar properties. This amino acid position is well conserved in available vertebrate species. In addition, the in silico prediction for this alteration is inconclusive. Since supporting evidence is limited at this time, the clinical significance of this alteration remains unclear.

Labcorp Genetics (formerly Invitae), Labcorp
Classification: Uncertain significance for Hereditary nonpolyposis colorectal neoplasms. Last evaluated: 2024-01-31. Review status: criteria provided, single submitter. Criteria: Invitae Variant Classification Sherloc (09022015). Collection method: clinical testing. Allele origin: germline.
Comment: This sequence change replaces threonine, which is neutral and polar, with asparagine, which is neutral and polar, at codon 133 of the PMS2 protein (p.Thr133Asn). This variant is not present in population databases (gnomAD no frequency). This variant has not been reported in the literature in individuals affected with PMS2-related conditions. ClinVar contains an entry for this variant (Variation ID: 419771). Advanced modeling of protein sequence and biophysical properties (such as structural, functional, and spatial information, amino acid conservation, physicochemical variation, residue mobility, and thermodynamic stability) performed at Invitae indicates that this missense variant is expected to disrupt PMS2 protein function with a positive predictive value of 80%. In summary, the available evidence is currently insufficient to determine the role of this variant in disease. Therefore, it has been classified as a Variant of Uncertain Significance.

GeneDx
Classification: Uncertain significance. Last evaluated: 2020-09-18. Review status: criteria provided, single submitter. Criteria: GeneDx Variant Classification (06012015). Collection method: clinical testing. Allele origin: germline. Affected: yes.
Comment: Not observed in large population cohorts (Lek 2016) In silico analysis supports that this missense variant has a deleterious effect on protein structure/function Has not been previously published as pathogenic or benign to our knowledge